The following is an entry in ClinVar:

NM_001414.4(EIF2B1):c.666G>A (p.Gln222=)

Gene: EIF2B1 (eukaryotic translation initiation factor 2B subunit alpha; minus strand). Cytogenetic location: 12q24.31.
Variant type: single nucleotide variant.
Coding change: c.666G>A on transcript NM_001414.4 (MANE Select); coding-DNA position 666, G replaced by A.
Protein change: p.Gln222=; no amino-acid change (glutamine 222 retained).
Molecular consequence: synonymous variant.
Genome position (GRCh38, 1-based): chr12:123,622,723, C>T on the plus strand (G>A on the coding strand, the complement: EIF2B1 is on the minus strand). VCF-style: chr12-123622723-C-T. GRCh37 (hg19) VCF-style: chr12-124107270-C-T.
Identifiers: ClinVar variation 2570853 (VCV002570853.27), dbSNP rs1955113696, ClinGen allele CA387139661.

ClinVar aggregate classification (germline): Likely benign (1 of 4 stars; one submission).

Allele frequency attached by ClinVar (database versions not stated): gnomAD exomes 0.00001.
gnomAD v4.1: 17 of 1,614,166 alleles (0.0011%); highest among the groups gnomAD compares: Non-Finnish European, 0.0014%; no homozygotes.

Submission:

CeGaT Center for Human Genetics Tuebingen
Classification: Likely benign. Last evaluated: 2023-05-01. Review status: criteria provided, single submitter. Criteria: CeGaT Center For Human Genetics Tuebingen Variant Classification Criteria Version 2. Collection method: clinical testing. Allele origin: germline. Affected: yes. Observed: 1 variant allele.
Comment: EIF2B1: PM2:Supporting, BP4, BP7